The following is an entry in ClinVar:

NM_001182.5(ALDH7A1):c.1192G>T (p.Gly398Trp)

Gene: ALDH7A1 (aldehyde dehydrogenase 7 family member A1; minus strand). Cytogenetic location: 5q23.2.
Variant type: single nucleotide variant.
Coding change: c.1192G>T on transcript NM_001182.5 (MANE Select); coding-DNA position 1192, G replaced by T.
Protein change: p.Gly398Trp; replaces glycine 398 with tryptophan.
Molecular consequence: missense variant. On other transcripts: intron variant (1).
Genome position (GRCh38, 1-based): chr5:126,554,295, C>A on the plus strand (G>T on the coding strand, the complement: ALDH7A1 is on the minus strand). VCF-style: chr5-126554295-C-A. GRCh37 (hg19) VCF-style: chr5-125889987-C-A.
Other names: c.1108G>T, p.Gly370Trp (NM_001201377.2); c.1009-2158G>T (NM_001202404.2); short protein forms G398W, G370W.
Identifiers: ClinVar variation 2884006 (VCV002884006.3), dbSNP rs1347421419, ClinGen allele CA360723749.

ClinVar aggregate classification (germline): Pathogenic (1 of 4 stars; one submission).

Conditions:
Pyridoxine-dependent epilepsy (EPEO4). Also called: PYRIDOXINE DEPENDENCY WITH SEIZURES; Pyridoxine-Dependent Seizures; EPILEPSY, EARLY-ONSET, 4, VITAMIN B6-DEPENDENT; Pyridoxine-Dependent Epilepsy - ALDH7A1. Identifiers: Orphanet 3006, MedGen C1849508, MONDO:0009945, OMIM 266100. Disease mechanism: loss of function.

Submission:

Labcorp Genetics (formerly Invitae), Labcorp
Classification: Pathogenic for Pyridoxine-dependent epilepsy. Last evaluated: 2023-12-13. Review status: criteria provided, single submitter. Criteria: Invitae Variant Classification Sherloc (09022015). Collection method: clinical testing. Allele origin: germline.
Comment: This sequence change replaces glycine, which is neutral and non-polar, with tryptophan, which is neutral and slightly polar, at codon 398 of the ALDH7A1 protein (p.Gly398Trp). This variant is not present in population databases (gnomAD no frequency). This missense change has been observed in individual(s) with neonatal seizures (PMID: 29933521, 31965297). In at least one individual the data is consistent with being in trans (on the opposite chromosome) from a pathogenic variant. Advanced modeling of protein sequence and biophysical properties (such as structural, functional, and spatial information, amino acid conservation, physicochemical variation, residue mobility, and thermodynamic stability) performed at Invitae indicates that this missense variant is expected to disrupt ALDH7A1 protein function with a positive predictive value of 95%. This variant disrupts the p.Gly398 amino acid residue in ALDH7A1. Other variant(s) that disrupt this residue have been determined to be pathogenic (PMID: 22529283; Invitae). This suggests that this residue is clinically significant, and that variants that disrupt this residue are likely to be disease-causing. For these reasons, this variant has been classified as Pathogenic.

Literature cited by the submitters: PubMed 29933521; PubMed 31965297; PubMed 22529283.